The following is an entry in ClinVar:

ClinVar aggregate classification (germline): Uncertain significance. Review status: criteria provided, multiple submitters, no conflicts (2 of 4 stars). 3 submissions from 3 submitters: Uncertain significance (3). Last evaluated 2025-12-31.

Conditions:
DEAF1-related disorder.
Inborn genetic diseases. Identifiers: MedGen C0950123, MeSH D030342.

Allele frequency attached by ClinVar (database versions not stated): TOPMed 0.00012; gnomAD 0.00013 and 0.00015; ESP Exome Variant Server 0.00015.
gnomAD v4.1: 159 of 1,613,726 alleles (0.0099%); highest among the groups gnomAD compares: Middle Eastern, 0.066%; no homozygotes.

Submissions (3):

Labcorp Genetics (formerly Invitae), Labcorp
Classification: Uncertain significance. Last evaluated: 2025-12-31. Review status: criteria provided, single submitter. Criteria: Invitae Variant Classification Sherloc (09022015). Collection method: clinical testing. Allele origin: germline.
Comment: This sequence change replaces asparagine, which is neutral and polar, with serine, which is neutral and polar, at codon 461 of the DEAF1 protein (p.Asn461Ser). This variant is present in population databases (rs201341584, gnomAD 0.02%). This variant has not been reported in the literature in individuals affected with DEAF1-related conditions. ClinVar contains an entry for this variant (Variation ID: 1353158). Invitae Evidence Modeling of protein sequence and biophysical properties (such as structural, functional, and spatial information, amino acid conservation, physicochemical variation, residue mobility, and thermodynamic stability) has been performed for this missense variant. However, the output from this modeling did not meet the statistical confidence thresholds required to predict the impact of this variant on DEAF1 protein function. In summary, the available evidence is currently insufficient to determine the role of this variant in disease. Therefore, it has been classified as a Variant of Uncertain Significance.

PreventionGenetics, part of Exact Sciences
Classification: Uncertain significance for DEAF1-related condition. Last evaluated: 2024-12-18. Review status: criteria provided, single submitter. Criteria: ACMG Guidelines, 2015. Collection method: clinical testing. Allele origin: germline.
Comment: The DEAF1 c.1382A>G variant is predicted to result in the amino acid substitution p.Asn461Ser. To our knowledge, this variant has not been reported in the literature. This variant is reported in 0.017% of alleles in individuals of Latino descent in gnomAD. At this time, the clinical significance of this variant is uncertain due to the absence of conclusive functional and genetic evidence.

Ambry Genetics
Classification: Uncertain significance for Inborn genetic diseases. Last evaluated: 2023-01-10. Review status: criteria provided, single submitter. Criteria: Ambry Variant Classification Scheme 2023. Collection method: clinical testing. Allele origin: germline.

NM_021008.4(DEAF1):c.1382A>G (p.Asn461Ser)

Genes: DEAF1 (DEAF1 transcription factor; minus strand), LOC126861109 (BRD4-independent group 4 enhancer GRCh37_chr11:673917-675116; plus strand). Cytogenetic location: 11p15.5.
Variant type: single nucleotide variant.
Coding change: c.1382A>G on transcript NM_021008.4 (MANE Select); coding-DNA position 1382, A replaced by G.
Protein change: p.Asn461Ser; replaces asparagine 461 with serine.
Molecular consequence: missense variant.
Genome position (GRCh38, 1-based): chr11:674,657, T>C on the plus strand (A>G on the coding strand, the complement: DEAF1 is on the minus strand). VCF-style: chr11-674657-T-C. GRCh37 (hg19) VCF-style: chr11-674657-T-C.
Other names: c.1115A>G, p.Asn372Ser (NM_001293634.2); c.656A>G, p.Asn219Ser (NM_001367390.1); c.1382A>G (NM_021008.3); short protein forms N219S, N372S, N461S.
Identifiers: ClinVar variation 1353158 (VCV001353158.8), dbSNP rs201341584, ClinGen allele CA5786223.